The following is an entry in ClinVar:

NM_000553.6(WRN):c.2084_2085insCATTC (p.Met696fs)

Gene: WRN (WRN RecQ like helicase; plus strand). Cytogenetic location: 8p12.
Variant type: Insertion.
Coding change: c.2084_2085insCATTC on transcript NM_000553.6 (MANE Select); coding-DNA positions 2084 to 2085, CATTC inserted.
Protein change: p.Met696fs; shifts the reading frame from methionine 696.
Molecular consequence: frameshift variant.
Genome position: GRCh38 VCF-style: chr8-31100950-C-CCCATT. GRCh37 (hg19) VCF-style: chr8-30958466-C-CCCATT.
Other names: short protein forms M696fs.
Identifiers: ClinVar variation 2766937 (VCV002766937.3), dbSNP rs2535951128, ClinGen allele CA2697549870.

ClinVar aggregate classification (germline): Pathogenic (1 of 4 stars; one submission).

Conditions:
Werner syndrome (WRN). Identifiers: Orphanet 902, MedGen C0043119, MONDO:0010196, OMIM 277700.

Submission:

Labcorp Genetics (formerly Invitae), Labcorp
Classification: Pathogenic for Werner syndrome. Last evaluated: 2023-10-08. Review status: criteria provided, single submitter. Criteria: Invitae Variant Classification Sherloc (09022015). Collection method: clinical testing. Allele origin: germline.
Comment: This sequence change creates a premature translational stop signal (p.Met696Ilefs*25) in the WRN gene. It is expected to result in an absent or disrupted protein product. Loss-of-function variants in WRN are known to be pathogenic (PMID: 16673358). This variant is not present in population databases (gnomAD no frequency). This variant has not been reported in the literature in individuals affected with WRN-related conditions. For these reasons, this variant has been classified as Pathogenic.

Literature cited by the submitters: PubMed 16673358.